The following is an entry in ClinVar:

ClinVar aggregate classification (germline): Uncertain significance (1 of 4 stars; one submission).

Conditions:
Werner syndrome (WRN). Identifiers: Orphanet 902, MedGen C0043119, MONDO:0010196, OMIM 277700.

Allele frequency attached by ClinVar (database versions not stated): gnomAD exomes below 0.00001 and 0.00001.
gnomAD v4.1: 13 of 1,613,772 alleles (0.00081%); highest among the groups gnomAD compares: Non-Finnish European, 0.0011%; no homozygotes.

Submission:

Labcorp Genetics (formerly Invitae), Labcorp
Classification: Uncertain significance for Werner syndrome. Last evaluated: 2022-04-26. Review status: criteria provided, single submitter. Criteria: Invitae Variant Classification Sherloc (09022015). Collection method: clinical testing. Allele origin: germline.
Comment: This sequence change replaces aspartic acid, which is acidic and polar, with glycine, which is neutral and non-polar, at codon 944 of the WRN protein (p.Asp944Gly). Algorithms developed to predict the effect of missense changes on protein structure and function output the following: SIFT: "Not Available"; PolyPhen-2: "Benign"; Align-GVGD: "Not Available". The glycine amino acid residue is found in multiple mammalian species, which suggests that this missense change does not adversely affect protein function. ClinVar contains an entry for this variant (Variation ID: 1046329). This variant has not been reported in the literature in individuals affected with WRN-related conditions. This variant is present in population databases (no rsID available, gnomAD 0.0009%). In summary, the available evidence is currently insufficient to determine the role of this variant in disease. Therefore, it has been classified as a Variant of Uncertain Significance.

NM_000553.6(WRN):c.2831A>G (p.Asp944Gly)

Gene: WRN (WRN RecQ like helicase; plus strand). Cytogenetic location: 8p12.
Variant type: single nucleotide variant.
Coding change: c.2831A>G on transcript NM_000553.6 (MANE Select); coding-DNA position 2831, A replaced by G.
Protein change: p.Asp944Gly; replaces aspartic acid 944 with glycine.
Molecular consequence: missense variant.
Genome position (GRCh38, 1-based): chr8:31,132,370, A>G. VCF-style: chr8-31132370-A-G. GRCh37 (hg19) VCF-style: chr8-30989886-A-G.
Other names: short protein forms D944G.
Identifiers: ClinVar variation 1046329 (VCV001046329.5), dbSNP rs1311166394, ClinGen allele CA370918699.